The following is an entry in ClinVar:

NM_020366.4(RPGRIP1):c.2932G>A (p.Gly978Ser)

Gene: RPGRIP1 (RPGR interacting protein 1; plus strand). Cytogenetic location: 14q11.2.
Variant type: single nucleotide variant.
Coding change: c.2932G>A on transcript NM_020366.4 (MANE Select); coding-DNA position 2932, G replaced by A.
Protein change: p.Gly978Ser; replaces glycine 978 with serine.
Molecular consequence: missense variant.
Genome position (GRCh38, 1-based): chr14:21,328,460, G>A. VCF-style: chr14-21328460-G-A. GRCh37 (hg19) VCF-style: chr14-21796619-G-A.
Other names: c.910G>A, p.Gly304Ser (NM_001377950.1, NM_001377523.1); c.412G>A, p.Gly138Ser (NM_001377951.1); c.1858G>A, p.Gly620Ser (NM_001377948.1); c.1018G>A, p.Gly340Ser (NM_001377949.1); short protein forms G138S, G978S, G304S, G340S, G620S.
Identifiers: ClinVar variation 963117 (VCV000963117.9), dbSNP rs754582695, ClinGen allele CA7089379.

ClinVar aggregate classification (germline): Uncertain significance (1 of 4 stars; one submission).

Conditions:
Cone-rod dystrophy 13 (CORD13). Identifiers: Orphanet 1872, MedGen C2750720, MONDO:0011987, OMIM 608194.
Leber congenital amaurosis 6 (LCA6). Identifiers: Orphanet 65, MedGen C1854260, MONDO:0013446, OMIM 613826.

Allele frequency attached by ClinVar (database versions not stated): TOPMed below 0.00001; ExAC 0.00001; gnomAD exomes 0.00002.
gnomAD v4.1: 18 of 1,613,592 alleles (0.0011%); highest among the groups gnomAD compares: Non-Finnish European, 0.0014%; no homozygotes.

Submission:

Labcorp Genetics (formerly Invitae), Labcorp
Classification: Uncertain significance for Leber congenital amaurosis 6; Cone-rod dystrophy 13. Last evaluated: 2019-09-30. Review status: criteria provided, single submitter. Criteria: Invitae Variant Classification Sherloc (09022015). Collection method: clinical testing. Allele origin: germline.
Comment: In summary, the available evidence is currently insufficient to determine the role of this variant in disease. Therefore, it has been classified as a Variant of Uncertain Significance. Algorithms developed to predict the effect of missense changes on protein structure and function are either unavailable or do not agree on the potential impact of this missense change (SIFT: "Tolerated"; PolyPhen-2: "Possibly Damaging"; Align-GVGD: "Class C0"). This variant has not been reported in the literature in individuals with RPGRIP1-related conditions. This variant is present in population databases (rs754582695, ExAC 0.002%). This sequence change replaces glycine with serine at codon 978 of the RPGRIP1 protein (p.Gly978Ser). The glycine residue is highly conserved and there is a small physicochemical difference between glycine and serine.